The following is an entry in ClinVar:

NM_052963.3(TOP1MT):c.360+3A>G

Gene: TOP1MT (DNA topoisomerase I mitochondrial; minus strand). Cytogenetic location: 8q24.3.
Variant type: single nucleotide variant.
Coding change: c.360+3A>G on transcript NM_052963.3 (MANE Select); 3 bases into the intron after coding-DNA position 360, A replaced by G.
Molecular consequence: intron variant.
Genome position (GRCh38, 1-based): chr8:143,329,347, T>C on the plus strand (A>G on the coding strand, the complement: TOP1MT is on the minus strand). VCF-style: chr8-143329347-T-C. GRCh37 (hg19) VCF-style: chr8-144411517-T-C.
Other names: c.66+3A>G (NM_001258447.1, NM_001258446.1).
Identifiers: ClinVar variation 1466433 (VCV001466433.6), dbSNP rs772568350, ClinGen allele CA4908895.

ClinVar aggregate classification (germline): Uncertain significance (1 of 4 stars; one submission).

Allele frequency attached by ClinVar (database versions not stated): gnomAD exomes below 0.00001; ExAC 0.00001; gnomAD 0.00001 and 0.00002; TOPMed 0.00002.
gnomAD v4.1: 7 of 1,603,198 alleles (0.00044%); highest among the groups gnomAD compares: African/African-American, 0.0013%; no homozygotes.

Submission:

Labcorp Genetics (formerly Invitae), Labcorp
Classification: Uncertain significance. Last evaluated: 2022-07-12. Review status: criteria provided, single submitter. Criteria: Invitae Variant Classification Sherloc (09022015). Collection method: clinical testing. Allele origin: germline.
Comment: In summary, the available evidence is currently insufficient to determine the role of this variant in disease. Therefore, it has been classified as a Variant of Uncertain Significance. This sequence change falls in intron 3 of the TOP1MT gene. It does not directly change the encoded amino acid sequence of the TOP1MT protein. It affects a nucleotide within the consensus splice site. This variant is not present in population databases (gnomAD no frequency). This variant has not been reported in the literature in individuals affected with TOP1MT-related conditions. ClinVar contains an entry for this variant (Variation ID: 1466433). Variants that disrupt the consensus splice site are a relatively common cause of aberrant splicing (PMID: 17576681, 9536098). Algorithms developed to predict the effect of sequence changes on RNA splicing suggest that this variant is not likely to affect RNA splicing.

Literature cited by the submitters: PubMed 17576681; PubMed 9536098.